The following is an entry in ClinVar:

ClinVar aggregate classification (germline): Uncertain significance (1 of 4 stars; one submission).

Conditions:
Long QT syndrome (LQTS). Identifiers: MedGen C0023976, MeSH D008133, MONDO:0002442. Disease mechanism: loss of function. Inheritance: Various modes of inheritance.

Allele frequency attached by ClinVar (database versions not stated): TOPMed below 0.00001; gnomAD 0.00001.
gnomAD v4.1: 1 of 1,613,968 alleles (0.000062%); highest among the groups gnomAD compares: Non-Finnish European, 0.000085%; no homozygotes.

Submission:

Labcorp Genetics (formerly Invitae), Labcorp
Classification: Uncertain significance for Long QT syndrome. Last evaluated: 2020-04-01. Review status: criteria provided, single submitter. Criteria: Invitae Variant Classification Sherloc (09022015). Collection method: clinical testing. Allele origin: germline.
Comment: Algorithms developed to predict the effect of missense changes on protein structure and function are either unavailable or do not agree on the potential impact of this missense change (SIFT: "Tolerated"; PolyPhen-2: "Possibly Damaging"; Align-GVGD: "Class C0"). In summary, the available evidence is currently insufficient to determine the role of this variant in disease. Therefore, it has been classified as a Variant of Uncertain Significance. This variant has not been reported in the literature in individuals with ANK2-related conditions. This variant is not present in population databases (ExAC no frequency). This sequence change replaces leucine with valine at codon 576 of the ANK2 protein (p.Leu576Val). The leucine residue is moderately conserved and there is a small physicochemical difference between leucine and valine.

NM_001148.6(ANK2):c.1726C>G (p.Leu576Val)

Gene: ANK2 (ankyrin 2; plus strand). Cytogenetic location: 4q26.
Variant type: single nucleotide variant.
Coding change: c.1726C>G on transcript NM_001148.6 (MANE Select); coding-DNA position 1726, C replaced by G.
Protein change: p.Leu576Val; replaces leucine 576 with valine.
Molecular consequence: missense variant.
Genome position (GRCh38, 1-based): chr4:113,277,879, C>G. VCF-style: chr4-113277879-C-G. GRCh37 (hg19) VCF-style: chr4-114199035-C-G.
Other names: c.1663C>G, p.Leu555Val (NM_001127493.3, NM_001354239.2, NM_001354243.2 and 14 more transcripts); c.1726C>G, p.Leu576Val (NM_001354225.2, NM_001354228.2, NM_001354232.2 and 8 more transcripts); c.1771C>G, p.Leu591Val (NM_001354230.2, NM_001354231.2, NM_001354237.2 and 5 more transcripts); c.1639C>G, p.Leu547Val (NM_001354249.2, NM_001354260.2, NM_001354264.2 and 13 more transcripts); c.1684C>G, p.Leu562Val (NM_001354261.2, NM_001386147.1, NM_001386160.1); c.1516C>G, p.Leu506Val (NM_001354269.3); c.1528C>G, p.Leu510Val (NM_001354273.2); c.1441C>G, p.Leu481Val (NM_001354277.2, NM_001386157.1, NM_001386158.1); and 4 more; short protein forms L506V, L510V, L562V, L564V, L572V, L576V, L591V, L593V.
Identifiers: ClinVar variation 1036829 (VCV001036829.5), dbSNP rs1278355638, ClinGen allele CA357910897.
Genomic context (GRCh38, chr4:113,277,879, plus strand): 5'-TGTTTCTCACATTTTCAGAAGGGTTTTACTCCCCTGCATGTAGCAGCCAAGTATGGAAGC[C>G]TGGATGTGGCAAAACTTCTCTTGCAACGCCGTGCTGCCGCAGATTCTGCAGGGAAGGTAA-3'
Protein context (NP_001139.3, residues 566-586): PLHVAAKYGS[Leu576Val]DVAKLLLQRR